The following is an entry in ClinVar:

ClinVar aggregate classification (germline): Uncertain significance (1 of 4 stars; one submission).

Conditions:
Cardiovascular phenotype. Identifiers: MedGen CN230736.

Allele frequency attached by ClinVar (database versions not stated): gnomAD exomes below 0.00001; gnomAD 0.00001; TOPMed 0.00003.
gnomAD v4.1: 4 of 1,612,130 alleles (0.00025%); highest among the groups gnomAD compares: Admixed American, 0.0033%; no homozygotes.

Submission:

Ambry Genetics
Classification: Uncertain significance for Cardiovascular phenotype. Last evaluated: 2023-03-07. Review status: criteria provided, single submitter. Criteria: Ambry Variant Classification Scheme 2023. Collection method: clinical testing. Allele origin: germline.
Comment: The p.P2940L variant (also known as c.8819C>T), located in coding exon 25 of the TNXB gene, results from a C to T substitution at nucleotide position 8819. The proline at codon 2940 is replaced by leucine, an amino acid with similar properties. This amino acid position is conserved. In addition, this alteration is predicted to be tolerated by in silico analysis. Since supporting evidence is limited at this time, the clinical significance of this alteration remains unclear.

NM_001365276.2(TNXB):c.8825C>T (p.Pro2942Leu)

Gene: TNXB (tenascin XB; minus strand). Cytogenetic location: 6p21.33.
Variant type: single nucleotide variant.
Coding change: c.8825C>T on transcript NM_001365276.2 (MANE Select); coding-DNA position 8825, C replaced by T.
Protein change: p.Pro2942Leu; replaces proline 2942 with leucine.
Molecular consequence: missense variant.
Genome position (GRCh38, 1-based): chr6:32,052,960, G>A on the plus strand (C>T on the coding strand, the complement: TNXB is on the minus strand). VCF-style: chr6-32052960-G-A. GRCh37 (hg19) VCF-style: chr6-32020737-G-A.
Other names: c.8819C>T, p.Pro2940Leu (NM_019105.8); short protein forms P2942L, P2940L.
Identifiers: ClinVar variation 2451198 (VCV002451198.2), dbSNP rs979496488, ClinGen allele CA136902974.
Genomic context (GRCh38, chr6:32,052,960, plus strand): 5'-CCTGTCACTGTCAGCTCCCCCAGGAGCGGCTCCTCAGGGGGCTCCGGGGCCTCCGTGCTG[G>A]GTTCTGTGGGGGCGGGAGTTTCTTCCTCTGCAGCTGAGAAGAGGGGACAGAGAAGGTGAG-3'
Protein context (NP_001352205.1, residues 2932-2952): AEEETPAPTE[Pro2942Leu]STEAPEPPEE